The following is an entry in ClinVar:

NM_001258392.3(CLPB):c.1560+6A>G

Gene: CLPB (ClpB family mitochondrial disaggregase; minus strand). Cytogenetic location: 11q13.4.
Variant type: single nucleotide variant.
Coding change: c.1560+6A>G on transcript NM_001258392.3 (MANE Select); 6 bases into the intron after coding-DNA position 1560, A replaced by G.
Molecular consequence: intron variant.
Genome position (GRCh38, 1-based): chr11:72,294,614, T>C on the plus strand (A>G on the coding strand, the complement: CLPB is on the minus strand). VCF-style: chr11-72294614-T-C. GRCh37 (hg19) VCF-style: chr11-72005658-T-C.
Other names: c.1473+6A>G (NM_001258393.3); c.1650+6A>G (NM_030813.6); c.1515+6A>G (NM_001258394.3).
Identifiers: ClinVar variation 4768209 (VCV004768209.1).
Genomic context (GRCh38, chr11:72,294,614, plus strand): 5'-GGATGGCTAAGATCACCCTCCCCCAACCTTAGGCTCCAGCAGGAAGTGCCAAGAAAGACC[T>C]CTTACTTTCAGGATAGGGCGAATCACATTCTCCTTGAAGTTCTTTGAGATGGTGATCTTG-3'

ClinVar aggregate classification (germline): Uncertain significance (1 of 4 stars; one submission).

Conditions:
3-methylglutaconic aciduria, type VIIB (MGCA7B). Also called: CLPB Deficiency; 3-methylglutaconic aciduria with cataracts, neurologic involvement and neutropenia; 3-methylglutaconic aciduria, type VII, with cataracts, neurologic involvement and neutropenia. Identifiers: Orphanet 445038, MedGen C5676893, MONDO:0014561, OMIM 616271.

Submission:

Labcorp Genetics (formerly Invitae), Labcorp
Classification: Uncertain significance for 3-methylglutaconic aciduria, type VIIB. Last evaluated: 2026-01-04. Review status: criteria provided, single submitter. Criteria: Invitae Variant Classification Sherloc (09022015). Collection method: clinical testing. Allele origin: germline.
Comment: This sequence change falls in intron 14 of the CLPB gene. It does not directly change the encoded amino acid sequence of the CLPB protein. It affects a nucleotide within the consensus splice site. This variant is not present in population databases (gnomAD no frequency). This variant has not been reported in the literature in individuals affected with CLPB-related conditions. Variants that disrupt the consensus splice site are a relatively common cause of aberrant splicing (PMID: 17576681, 9536098). Algorithms developed to predict the effect of sequence changes on RNA splicing suggest that this variant is not likely to affect RNA splicing. In summary, the available evidence is currently insufficient to determine the role of this variant in disease. Therefore, it has been classified as a Variant of Uncertain Significance.

Literature cited by the submitters: PubMed 17576681; PubMed 9536098.